The following is an entry in ClinVar:

ClinVar aggregate classification (germline): Uncertain significance (1 of 4 stars; one submission).

gnomAD v4.1: 12 of 1,613,976 alleles (0.00074%); highest among the groups gnomAD compares: South Asian, 0.012%; no homozygotes.

Submission:

Labcorp Genetics (formerly Invitae), Labcorp
Classification: Uncertain significance. Last evaluated: 2025-08-13. Review status: criteria provided, single submitter. Criteria: Invitae Variant Classification Sherloc (09022015). Collection method: clinical testing. Allele origin: germline.
Comment: This sequence change replaces tyrosine, which is neutral and polar, with cysteine, which is neutral and slightly polar, at codon 2128 of the TENM3 protein (p.Tyr2128Cys). This variant is present in population databases (rs754739700, gnomAD 0.01%). This variant has not been reported in the literature in individuals affected with TENM3-related conditions. Invitae Evidence Modeling of protein sequence and biophysical properties (such as structural, functional, and spatial information, amino acid conservation, physicochemical variation, residue mobility, and thermodynamic stability) indicates that this missense variant is expected to disrupt TENM3 protein function with a positive predictive value of 80%. In summary, the available evidence is currently insufficient to determine the role of this variant in disease. Therefore, it has been classified as a Variant of Uncertain Significance.

NM_001080477.4(TENM3):c.6383A>G (p.Tyr2128Cys)

Gene: TENM3 (teneurin transmembrane protein 3; plus strand). Cytogenetic location: 4q35.1.
Variant type: single nucleotide variant.
Coding change: c.6383A>G on transcript NM_001080477.4 (MANE Select); coding-DNA position 6383, A replaced by G.
Protein change: p.Tyr2128Cys; replaces tyrosine 2128 with cysteine.
Molecular consequence: missense variant.
Genome position (GRCh38, 1-based): chr4:182,793,055, A>G. VCF-style: chr4-182793055-A-G. GRCh37 (hg19) VCF-style: chr4-183714208-A-G.
Other names: c.5615A>G, p.Tyr1872Cys (NM_001415960.1); c.5588A>G, p.Tyr1863Cys (NM_001415961.1); c.5585A>G, p.Tyr1862Cys (NM_001415962.1); c.5567A>G, p.Tyr1856Cys (NM_001415963.1); c.5564A>G, p.Tyr1855Cys (NM_001415964.1); c.6101A>G, p.Tyr2034Cys (NM_001415966.1); c.6125A>G, p.Tyr2042Cys (NM_001415967.1); c.6401A>G, p.Tyr2134Cys (NM_001415968.1); and 4 more; short protein forms Y1855C, Y1856C, Y1872C, Y2035C, Y2127C, Y2128C, Y2135C, Y1862C.
Identifiers: ClinVar variation 4741168 (VCV004741168.1).
Genomic context (GRCh38, chr4:182,793,055, plus strand): 5'-ACATGGGTCGGGTAACCAAGAGAGAGATTAAAATAGGGCCCTTTGCCAACACCACCAAAT[A>G]TGCTTATGAATATGATGTTGATGGACAGCTCCAAACAGTTTACCTCAATGAAAAGATAAT-3'
Protein context (NP_001073946.1, residues 2118-2138): KIGPFANTTK[Tyr2128Cys]AYEYDVDGQL